The following is an entry in ClinVar:

ClinVar aggregate classification (germline): Uncertain significance (1 of 4 stars; one submission).

Submission:

GeneDx
Classification: Uncertain significance. Last evaluated: 2022-10-18. Review status: criteria provided, single submitter. Criteria: GeneDx Variant Classification Process June 2021. Collection method: clinical testing. Allele origin: germline. Affected: yes.
Comment: Not observed at significant frequency in large population cohorts (gnomAD); In silico analysis supports that this missense variant does not alter protein structure/function; Has not been previously published as pathogenic or benign to our knowledge

NM_001367534.1(CAMK2G):c.1103A>G (p.Lys368Arg)

Gene: CAMK2G (calcium/calmodulin dependent protein kinase II gamma; minus strand). Cytogenetic location: 10q22.2.
Variant type: single nucleotide variant.
Coding change: c.1103A>G on transcript NM_001367534.1 (MANE Select); coding-DNA position 1103, A replaced by G.
Protein change: p.Lys368Arg; replaces lysine 368 with arginine.
Molecular consequence: missense variant. On other transcripts: intron variant (17), non-coding transcript variant (7).
Genome position (GRCh38, 1-based): chr10:73,825,331, T>C on the plus strand (A>G on the coding strand, the complement: CAMK2G is on the minus strand). VCF-style: chr10-73825331-T-C. GRCh37 (hg19) VCF-style: chr10-75585089-T-C.
Other names: c.679-1247A>G (NM_001367538.1, NM_001367537.1); c.841-1247A>G (NM_001367524.1); c.325-1247A>G (NM_001367540.1); c.991-1247A>G (NM_001367541.1, NM_001367528.1, NM_001222.4 and 1 more transcripts); c.1024-1247A>G (NM_001367519.1, NM_001367522.1, NM_001367530.1 and 1 more transcripts); c.1087-1247A>G (NM_001367523.1, NM_001320898.2, NM_172169.3 and 1 more transcripts); c.1070A>G, p.Lys357Arg (NM_001204492.2, NM_001367521.1, NM_001367544.1); c.983A>G, p.Lys328Arg (NM_001367514.1, NM_001367525.1, NM_001367532.1); and 7 more; short protein forms K106R, K254R, K328R, K336R, K345R, K347R, K357R, K368R.
Identifiers: ClinVar variation 2499700 (VCV002499700.1), dbSNP rs2548048256, ClinGen allele CA377301596.